The following is an entry in ClinVar:

NM_000629.3(IFNAR1):c.291T>A (p.Tyr97Ter)

Gene: IFNAR1 (interferon alpha and beta receptor subunit 1; plus strand). Cytogenetic location: 21q22.11.
Variant type: single nucleotide variant.
Coding change: c.291T>A on transcript NM_000629.3 (MANE Select); coding-DNA position 291, T replaced by A.
Protein change: p.Tyr97Ter; replaces tyrosine 97 with a stop codon.
Molecular consequence: nonsense. On other transcripts: 5 prime UTR variant (2).
Genome position (GRCh38, 1-based): chr21:33,341,089, T>A. VCF-style: chr21-33341089-T-A. GRCh37 (hg19) VCF-style: chr21-34713395-T-A.
Other names: c.291T>A, p.Tyr97Ter (NM_001384498.1, NM_001384499.1, NM_001384501.1 and 1 more transcripts); c.-496T>A (NM_001384500.1); c.-172T>A (NM_001384502.1); c.84T>A, p.Tyr28Ter (NM_001384504.1); short protein forms Y97*, Y28*.
Identifiers: ClinVar variation 2006398 (VCV002006398.4), dbSNP rs2516867725, ClinGen allele CA410106636.

ClinVar aggregate classification (germline): Pathogenic (1 of 4 stars; one submission).

Submission:

Labcorp Genetics (formerly Invitae), Labcorp
Classification: Pathogenic. Last evaluated: 2022-11-14. Review status: criteria provided, single submitter. Criteria: Invitae Variant Classification Sherloc (09022015). Collection method: clinical testing. Allele origin: germline.
Comment: For these reasons, this variant has been classified as Pathogenic. This variant has not been reported in the literature in individuals affected with IFNAR1-related conditions. This variant is not present in population databases (gnomAD no frequency). This sequence change creates a premature translational stop signal (p.Tyr97*) in the IFNAR1 gene. It is expected to result in an absent or disrupted protein product. Loss-of-function variants in IFNAR1 are known to be pathogenic (PMID: 31270247, 32960813).

Literature cited by the submitters: PubMed 31270247; PubMed 32960813.